The following is an entry in ClinVar:

NM_021008.4(DEAF1):c.45G>C (p.Glu15Asp)

Gene: DEAF1 (DEAF1 transcription factor; minus strand). Cytogenetic location: 11p15.5.
Variant type: single nucleotide variant.
Coding change: c.45G>C on transcript NM_021008.4 (MANE Select); coding-DNA position 45, G replaced by C.
Protein change: p.Glu15Asp; replaces glutamic acid 15 with aspartic acid.
Molecular consequence: missense variant. On other transcripts: intron variant (1).
Genome position (GRCh38, 1-based): chr11:695,003, C>G on the plus strand (G>C on the coding strand, the complement: DEAF1 is on the minus strand). VCF-style: chr11-695003-C-G. GRCh37 (hg19) VCF-style: chr11-695003-C-G.
Other names: c.45G>C, p.Glu15Asp (NM_001293634.2); c.-437-3405G>C (NM_001367390.1); short protein forms E15D.
Identifiers: ClinVar variation 2051577 (VCV002051577.5), dbSNP rs904830213, ClinGen allele CA216911003.

ClinVar aggregate classification (germline): Uncertain significance. Review status: criteria provided, multiple submitters, no conflicts (2 of 4 stars). 2 submissions from 2 submitters: Uncertain significance (2). Last evaluated 2024-12-07.

Conditions:
Inborn genetic diseases. Identifiers: MedGen C0950123, MeSH D030342.

Allele frequency attached by ClinVar (database versions not stated): gnomAD 0.00005; TOPMed 0.00007.
gnomAD v4.1: 8 of 1,286,330 alleles (0.00062%); highest among the groups gnomAD compares: Admixed American, 0.029%; no homozygotes.

Submissions (2):

Ambry Genetics
Classification: Uncertain significance for Inborn genetic diseases. Last evaluated: 2024-12-07. Review status: criteria provided, single submitter. Criteria: Ambry Variant Classification Scheme 2023. Collection method: clinical testing. Allele origin: germline.

Labcorp Genetics (formerly Invitae), Labcorp
Classification: Uncertain significance. Last evaluated: 2024-10-01. Review status: criteria provided, single submitter. Criteria: Invitae Variant Classification Sherloc (09022015). Collection method: clinical testing. Allele origin: germline.
Comment: This sequence change replaces glutamic acid, which is acidic and polar, with aspartic acid, which is acidic and polar, at codon 15 of the DEAF1 protein (p.Glu15Asp). This variant is not present in population databases (gnomAD no frequency). This variant has not been reported in the literature in individuals affected with DEAF1-related conditions. ClinVar contains an entry for this variant (Variation ID: 2051577). Invitae Evidence Modeling of protein sequence and biophysical properties (such as structural, functional, and spatial information, amino acid conservation, physicochemical variation, residue mobility, and thermodynamic stability) indicates that this missense variant is not expected to disrupt DEAF1 protein function with a negative predictive value of 80%. In summary, the available evidence is currently insufficient to determine the role of this variant in disease. Therefore, it has been classified as a Variant of Uncertain Significance.